The following is an entry in ClinVar:

NM_005359.6(SMAD4):c.542C>A (p.Thr181Asn)

Gene: SMAD4 (SMAD family member 4; plus strand). Cytogenetic location: 18q21.2.
Variant type: single nucleotide variant.
Coding change: c.542C>A on transcript NM_005359.6 (MANE Select); coding-DNA position 542, C replaced by A.
Protein change: p.Thr181Asn; replaces threonine 181 with asparagine.
Molecular consequence: missense variant.
Genome position (GRCh38, 1-based): chr18:51,054,868, C>A. VCF-style: chr18-51054868-C-A. GRCh37 (hg19) VCF-style: chr18-48581238-C-A.
Other names: short protein forms T181N.
Identifiers: ClinVar variation 1038490 (VCV001038490.8), dbSNP rs1909797937, ClinGen allele CA402460894.

ClinVar aggregate classification (germline): Uncertain significance (1 of 4 stars; one submission).

Conditions:
Juvenile polyposis syndrome (JPS). Identifiers: Orphanet 2929, MedGen C0345893, MONDO:0017380, OMIM 174900.

Submission:

Labcorp Genetics (formerly Invitae), Labcorp
Classification: Uncertain significance for Juvenile polyposis syndrome. Last evaluated: 2020-12-13. Review status: criteria provided, single submitter. Criteria: Invitae Variant Classification Sherloc (09022015). Collection method: clinical testing. Allele origin: germline.
Comment: Advanced modeling of protein sequence and biophysical properties (such as structural, functional, and spatial information, amino acid conservation, physicochemical variation, residue mobility, and thermodynamic stability) performed at Invitae indicates that this missense variant is not expected to disrupt SMAD4 protein function. In summary, the available evidence is currently insufficient to determine the role of this variant in disease. Therefore, it has been classified as a Variant of Uncertain Significance. This sequence change replaces threonine with asparagine at codon 181 of the SMAD4 protein (p.Thr181Asn). The threonine residue is highly conserved and there is a small physicochemical difference between threonine and asparagine. This variant is not present in population databases (ExAC no frequency). This variant has not been reported in the literature in individuals with SMAD4-related conditions.